The following is an entry in ClinVar:

ClinVar aggregate classification (germline): Benign/Likely benign. Review status: criteria provided, multiple submitters, no conflicts (2 of 4 stars). 4 submissions from 4 submitters: Benign (2); Likely benign (1). 1 of the submissions does not count toward it. Last evaluated 2025-10-07.

Conditions:
OTOGL-related disorder. Also called: OTOGL-related condition.

Allele frequency attached by ClinVar (database versions not stated): ESP Exome Variant Server 0.00034; gnomAD 0.00059 and 0.00062; gnomAD exomes 0.00086 and 0.00098; TOPMed 0.00088; ExAC 0.00091; 1000 Genomes Project 0.00100; 1000 Genomes Project 30x 0.00141.
gnomAD v4.1: 1,358 of 1,599,000 alleles (0.085%); highest among the groups gnomAD compares: Admixed American, 0.33%; no homozygotes.

Submissions (4):

Labcorp Genetics (formerly Invitae), Labcorp
Classification: Benign. Last evaluated: 2025-10-07. Review status: criteria provided, single submitter. Criteria: Invitae Variant Classification Sherloc (09022015). Collection method: clinical testing. Allele origin: germline.

Blueprint Genetics
Classification: Likely benign. Last evaluated: 2024-09-23. Review status: criteria provided, single submitter. Criteria: ACMG Guidelines, 2015. Collection method: clinical testing. Allele origin: germline.

Laboratory for Molecular Medicine, Mass General Brigham Personalized Medicine
Classification: Benign. Last evaluated: 2017-06-13. Review status: criteria provided, single submitter. Criteria: LMM Criteria. Collection method: clinical testing. Allele origin: germline. Observed: 2 variant alleles.
Comment: c.1414+10T>A in intron 14 of OTOGL: This variant is not expected to have clinica l significance because it is not located within the splice consensus sequence. I t has been identified in 0.4% (131/34138) of Latino chromosomes by the Genome Ag gregation Database (gnomAD; dbSNP rs367996419) .

PreventionGenetics, part of Exact Sciences
Classification: Likely benign for OTOGL-related condition. Last evaluated: 2019-10-31. Review status: no assertion criteria provided. Collection method: clinical testing. Allele origin: germline. Not counted in ClinVar's aggregate classification.
Comment: This variant is classified as likely benign based on ACMG/AMP sequence variant interpretation guidelines (Richards et al. 2015 PMID: 25741868, with internal and published modifications).

NM_001378609.3(OTOGL):c.1441+10T>A

Gene: OTOGL (otogelin like; plus strand). Cytogenetic location: 12q21.31.
Variant type: single nucleotide variant.
Coding change: c.1441+10T>A on transcript NM_001378609.3 (MANE Select); 10 bases into the intron after coding-DNA position 1441, T replaced by A.
Molecular consequence: intron variant.
Genome position (GRCh38, 1-based): chr12:80,254,580, T>A. VCF-style: chr12-80254580-T-A. GRCh37 (hg19) VCF-style: chr12-80648360-T-A.
Other names: c.1441+10T>A (NM_001368062.3, NM_001378610.3, NM_173591.7).
Identifiers: ClinVar variation 227811 (VCV000227811.17), dbSNP rs367996419, ClinGen allele CA6700462.
Genomic context (GRCh38, chr12:80,254,580, plus strand): 5'-TTAGTGTGTGTGTTGGTGGAGTTTGGAACTGCACTGAGCAAGACTGTCCAGGTAATTTTT[T>A]AAAATGTTTTTATAGAGAATGTTTCAAATTTCTTTAGACTGGGGAGAAAGATAGCACTGA-3'